The following is an entry in ClinVar:

ClinVar aggregate classification (germline): Uncertain significance. Review status: criteria provided, multiple submitters, no conflicts (2 of 4 stars). 2 submissions from 2 submitters: Uncertain significance (2). Last evaluated 2025-09-16.

Conditions:
Inborn genetic diseases. Identifiers: MedGen C0950123, MeSH D030342.

Allele frequency attached by ClinVar (database versions not stated): gnomAD 0.00003; gnomAD exomes 0.00002; ExAC 0.00002; ESP Exome Variant Server 0.00008; TOPMed 0.00002.
gnomAD v4.1: 29 of 1,611,396 alleles (0.0018%); highest among the groups gnomAD compares: Non-Finnish European, 0.0023%; no homozygotes.

Submissions (2):

Labcorp Genetics (formerly Invitae), Labcorp
Classification: Uncertain significance. Last evaluated: 2025-09-16. Review status: criteria provided, single submitter. Criteria: Invitae Variant Classification Sherloc (09022015). Collection method: clinical testing. Allele origin: germline.
Comment: This sequence change replaces serine, which is neutral and polar, with cysteine, which is neutral and slightly polar, at codon 542 of the ERCC6L2 protein (p.Ser542Cys). This variant is present in population databases (rs377215343, gnomAD 0.002%). This variant has not been reported in the literature in individuals affected with ERCC6L2-related conditions. ClinVar contains an entry for this variant (Variation ID: 3014994). Experimental studies and prediction algorithms are not available or were not evaluated, and the functional significance of this variant is currently unknown. In summary, the available evidence is currently insufficient to determine the role of this variant in disease. Therefore, it has been classified as a Variant of Uncertain Significance.

Ambry Genetics
Classification: Uncertain significance for Inborn genetic diseases. Last evaluated: 2025-06-07. Review status: criteria provided, single submitter. Criteria: Ambry Variant Classification Scheme 2023. Collection method: clinical testing. Allele origin: germline.

NM_020207.7(ERCC6L2):c.1592C>G (p.Ser531Cys)

Gene: ERCC6L2 (ERCC excision repair 6 like 2; plus strand). Cytogenetic location: 9q22.32.
Variant type: single nucleotide variant.
Coding change: c.1592C>G on transcript NM_020207.7 (MANE Select); coding-DNA position 1592, C replaced by G.
Protein change: p.Ser531Cys; replaces serine 531 with cysteine.
Molecular consequence: missense variant. On other transcripts: non-coding transcript variant (1).
Genome position (GRCh38, 1-based): chr9:95,928,137, C>G. VCF-style: chr9-95928137-C-G. GRCh37 (hg19) VCF-style: chr9-98690419-C-G.
Other names: c.1592C>G, p.Ser531Cys (NM_001010895.4, NM_001375291.1, NM_001375292.1 and 2 more transcripts); short protein forms S531C.
Identifiers: ClinVar variation 3014994 (VCV003014994.4), dbSNP rs377215343, ClinGen allele CA5139611.